The following is an entry in ClinVar:

NM_002294.3(LAMP2):c.643A>G (p.Lys215Glu)

Gene: LAMP2 (lysosome associated membrane protein 2; minus strand). Cytogenetic location: Xq24.
Variant type: single nucleotide variant.
Coding change: c.643A>G on transcript NM_002294.3 (MANE Select); coding-DNA position 643, A replaced by G.
Protein change: p.Lys215Glu; replaces lysine 215 with glutamic acid.
Molecular consequence: missense variant.
Genome position (GRCh38, 1-based): chrX:120,447,939, T>C on the plus strand (A>G on the coding strand, the complement: LAMP2 is on the minus strand). VCF-style: chrX-120447939-T-C. GRCh37 (hg19) VCF-style: chrX-119581794-T-C.
Other names: c.643A>G, p.Lys215Glu (NM_001122606.1, NM_013995.2); short protein forms K215E.
Identifiers: ClinVar variation 958154 (VCV000958154.7), dbSNP rs2058604823, ClinGen allele CA414401499.

ClinVar aggregate classification (germline): Conflicting classifications of pathogenicity. Review status: criteria provided, conflicting classifications (1 of 4 stars). 2 submissions from 2 submitters: Uncertain significance (1); Likely benign (1). Last evaluated 2025-04-30.

Conditions:
Danon disease. Also called: Glycogen Storage Disease Type IIb; PSEUDOGLYCOGENOSIS II; GSD IIb; LYSOSOMAL GLYCOGEN STORAGE DISEASE WITHOUT ACID MALTASE DEFICIENCY; ANTOPOL DISEASE. Identifiers: Orphanet 34587, MedGen C0878677, MONDO:0010281, OMIM 300257.
Cardiovascular phenotype. Identifiers: MedGen CN230736.

Submissions (2):

Labcorp Genetics (formerly Invitae), Labcorp
Classification: Uncertain significance for Danon disease. Last evaluated: 2025-04-30. Review status: criteria provided, single submitter. Criteria: Invitae Variant Classification Sherloc (09022015). Collection method: clinical testing. Allele origin: germline.
Comment: This sequence change replaces lysine, which is basic and polar, with glutamic acid, which is acidic and polar, at codon 215 of the LAMP2 protein (p.Lys215Glu). This variant is not present in population databases (gnomAD no frequency). This variant has not been reported in the literature in individuals affected with LAMP2-related conditions. ClinVar contains an entry for this variant (Variation ID: 958154). Invitae Evidence Modeling of protein sequence and biophysical properties (such as structural, functional, and spatial information, amino acid conservation, physicochemical variation, residue mobility, and thermodynamic stability) indicates that this missense variant is not expected to disrupt LAMP2 protein function with a negative predictive value of 80%. In summary, the available evidence is currently insufficient to determine the role of this variant in disease. Therefore, it has been classified as a Variant of Uncertain Significance.

Ambry Genetics
Classification: Likely benign for Cardiovascular phenotype. Last evaluated: 2023-11-13. Review status: criteria provided, single submitter. Criteria: Ambry Variant Classification Scheme 2023. Collection method: clinical testing. Allele origin: germline.